The following is an entry in ClinVar:

NM_014324.6(AMACR):c.1051G>A (p.Glu351Lys)

Genes: AMACR (alpha-methylacyl-CoA racemase; minus strand), C1QTNF3-AMACR (C1QTNF3-AMACR readthrough (NMD candidate); minus strand). Cytogenetic location: 5p13.2.
Variant type: single nucleotide variant.
Coding change: c.1051G>A on transcript NM_014324.6 (MANE Select); coding-DNA position 1051, G replaced by A.
Protein change: p.Glu351Lys; replaces glutamic acid 351 with lysine.
Molecular consequence: missense variant. On other transcripts: non-coding transcript variant (1), 3 prime UTR variant (1).
Genome position (GRCh38, 1-based): chr5:33,989,191, C>T on the plus strand (G>A on the coding strand, the complement: AMACR is on the minus strand). VCF-style: chr5-33989191-C-T. GRCh37 (hg19) VCF-style: chr5-33989296-C-T.
Other names: c.1051G>A, p.Glu351Lys (NM_001167595.2); c.*293G>A (NM_203382.3); short protein forms E351K.
Identifiers: ClinVar variation 905564 (VCV000905564.7), dbSNP rs761488582, ClinGen allele CA3225961.

ClinVar aggregate classification (germline): Uncertain significance. Review status: criteria provided, multiple submitters, no conflicts (2 of 4 stars). 2 submissions from 2 submitters: Uncertain significance (2). Last evaluated 2022-01-12.

Conditions:
Alpha-methylacyl-CoA racemase deficiency (AMACRD). Also called: AMACR deficiency. Identifiers: Orphanet 79095, MedGen C3280428, MONDO:0013681, OMIM 614307. Disease mechanism: loss of function.

Allele frequency attached by ClinVar (database versions not stated): TOPMed below 0.00001; ExAC 0.00001; gnomAD 0.00001; gnomAD exomes 0.00001.
gnomAD v4.1: 11 of 1,614,084 alleles (0.00068%); highest among the groups gnomAD compares: Non-Finnish European, 0.00085%; no homozygotes.

Submissions (2):

Labcorp Genetics (formerly Invitae), Labcorp
Classification: Uncertain significance for Alpha-methylacyl-CoA racemase deficiency. Last evaluated: 2022-01-12. Review status: criteria provided, single submitter. Criteria: Invitae Variant Classification Sherloc (09022015). Collection method: clinical testing. Allele origin: germline.
Comment: This sequence change replaces glutamic acid, which is acidic and polar, with lysine, which is basic and polar, at codon 351 of the AMACR protein (p.Glu351Lys). In summary, the available evidence is currently insufficient to determine the role of this variant in disease. Therefore, it has been classified as a Variant of Uncertain Significance. Algorithms developed to predict the effect of missense changes on protein structure and function output the following: SIFT: "Tolerated"; PolyPhen-2: "Benign"; Align-GVGD: "Class C0". The lysine amino acid residue is found in multiple mammalian species, which suggests that this missense change does not adversely affect protein function. ClinVar contains an entry for this variant (Variation ID: 905564). This variant has not been reported in the literature in individuals affected with AMACR-related conditions. This variant is present in population databases (rs761488582, gnomAD 0.002%).

Illumina Laboratory Services, Illumina
Classification: Uncertain significance for Alpha-methylacyl-CoA racemase deficiency. Last evaluated: 2018-01-12. Review status: criteria provided, single submitter. Criteria: ICSL Variant Classification Criteria 13 December 2019. Collection method: clinical testing. Allele origin: germline.